The following is an entry in ClinVar:

NM_005876.5(SPEG):c.4399C>T (p.Arg1467Ter)

Gene: SPEG (striated muscle enriched protein kinase; plus strand). Cytogenetic location: 2q35.
Variant type: single nucleotide variant.
Coding change: c.4399C>T on transcript NM_005876.5 (MANE Select); coding-DNA position 4399, C replaced by T.
Protein change: p.Arg1467Ter; replaces arginine 1467 with a stop codon.
Molecular consequence: nonsense.
Genome position (GRCh38, 1-based): chr2:219,473,855, C>T. VCF-style: chr2-219473855-C-T. GRCh37 (hg19) VCF-style: chr2-220338577-C-T.
Other names: short protein forms R1467*.
Identifiers: ClinVar variation 2500467 (VCV002500467.3), dbSNP rs756056441, ClinGen allele CA2126484.

ClinVar aggregate classification (germline): Likely pathogenic. Review status: criteria provided, multiple submitters, no conflicts (2 of 4 stars). 2 submissions from 2 submitters: Likely pathogenic (2). Last evaluated 2024-03-01.

Conditions:
SPEG-related congenital myopathy.

Allele frequency attached by ClinVar (database versions not stated): gnomAD exomes below 0.00001; TOPMed below 0.00001; ExAC 0.00001.
gnomAD v4.1: 4 of 1,613,600 alleles (0.00025%); highest among the groups gnomAD compares: Non-Finnish European, 0.00025%; no homozygotes.

Submissions (2):

Muscle and Diseases Team, Institut de Génétique et Biologie Moléculaire et Cellulaire
Classification: Likely pathogenic for SPEG-related congenital myopathy. Last evaluated: 2024-03-01. Review status: criteria provided, single submitter. Criteria: ACMG Guidelines, 2015. Collection method: research. Allele origin: paternal. Affected: yes. Observed: 1 variant allele.
Comment: PVS1+PM2

GeneDx
Classification: Likely pathogenic. Last evaluated: 2022-10-13. Review status: criteria provided, single submitter. Criteria: GeneDx Variant Classification Process June 2021. Collection method: clinical testing. Allele origin: germline. Affected: yes.
Comment: Reported in a patient with congenital myopathy who also harbored a frameshift variant in the SPEG gene in trans (Lornage et al., 2018); however, this patient did not have the characteristic clinical and histological features seen in patients with SPEG-related myopathy; Not observed at significant frequency in large population cohorts (gnomAD); Nonsense variant predicted to result in protein truncation or nonsense mediated decay in a gene for which loss of function is a known mechanism of disease; This variant is associated with the following publications: (PMID: 29614691)

Literature cited by the submitters: DOI 10.1186/s13073-024-01353-0 (cited by Muscle and Diseases Team, Institut de Génétique et Biologie Moléculaire et Cellulaire); PubMed 29614691 (cited by Muscle and Diseases Team, Institut de Génétique et Biologie Moléculaire et Cellulaire).